The following is an entry in ClinVar:

NC_000002.11:g.(?_62066073)_(62067558_?)del

Gene: FAM161A (FAM161 centrosomal protein A; minus strand). Cytogenetic location: 2p15.
Variant type: Deletion.
Identifiers: ClinVar variation 2423967 (VCV002423967.4).

ClinVar aggregate classification (germline): Likely pathogenic (1 of 4 stars; one submission).

Submission:

Labcorp Genetics (formerly Invitae), Labcorp
Classification: Likely pathogenic. Last evaluated: 2022-10-06. Review status: criteria provided, single submitter. Criteria: Invitae Variant Classification Sherloc (09022015). Collection method: clinical testing. Allele origin: germline.
Comment: In summary, the currently available evidence indicates that the variant is pathogenic, but additional data are needed to prove that conclusively. Therefore, this variant has been classified as Likely Pathogenic. This variant has not been reported in the literature in individuals affected with FAM161A-related conditions. This variant results in the deletion of part of exon 3 (c.581_1584-233del) of the FAM161A gene. It is expected to disrupt RNA splicing. Variants that disrupt the donor or acceptor splice site typically lead to a loss of protein function (PMID: 16199547), and loss-of-function variants in FAM161A are known to be pathogenic (PMID: 20705278, 20705279, 24651477).

Literature cited by the submitters: PubMed 16199547; PubMed 20705278; PubMed 20705279; PubMed 24651477.